The following is an entry in ClinVar:

NM_000465.4(BARD1):c.1718T>A (p.Ile573Lys)

Gene: BARD1 (BRCA1 associated RING domain 1; minus strand). Cytogenetic location: 2q35.
Variant type: single nucleotide variant.
Coding change: c.1718T>A on transcript NM_000465.4 (MANE Select); coding-DNA position 1718, T replaced by A.
Protein change: p.Ile573Lys; replaces isoleucine 573 with lysine.
Molecular consequence: missense variant. On other transcripts: non-coding transcript variant (3), intron variant (1).
Genome position (GRCh38, 1-based): chr2:214,745,814, A>T on the plus strand (T>A on the coding strand, the complement: BARD1 is on the minus strand). VCF-style: chr2-214745814-A-T. GRCh37 (hg19) VCF-style: chr2-215610538-A-T.
Other names: c.1661T>A, p.Ile554Lys (NM_001282543.2); c.365T>A, p.Ile122Lys (NM_001282545.2); c.308T>A, p.Ile103Lys (NM_001282548.2); c.365-15306T>A (NM_001282549.2); short protein forms I122K, I103K, I554K, I573K.
Identifiers: ClinVar variation 1778670 (VCV001778670.2), dbSNP rs587780022, ClinGen allele CA350453164.

ClinVar aggregate classification (germline): Uncertain significance (1 of 4 stars; one submission).

Conditions:
Hereditary cancer-predisposing syndrome. Also called: Neoplastic Syndromes, Hereditary; Tumor predisposition; Hereditary Cancer Syndrome; Hereditary neoplastic syndrome. Identifiers: Orphanet 140162, MedGen C0027672, MeSH D009386, MONDO:0015356.

Submission:

Ambry Genetics
Classification: Uncertain significance for Hereditary cancer-predisposing syndrome. Last evaluated: 2023-09-25. Review status: criteria provided, single submitter. Criteria: Ambry Variant Classification Scheme 2023. Collection method: clinical testing. Allele origin: germline.
Comment: The p.I573K variant (also known as c.1718T>A), located in coding exon 8 of the BARD1 gene, results from a T to A substitution at nucleotide position 1718. The isoleucine at codon 573 is replaced by lysine, an amino acid with dissimilar properties. This amino acid position is well conserved in available vertebrate species. In addition, the in silico prediction for this alteration is inconclusive. Since supporting evidence is limited at this time, the clinical significance of this alteration remains unclear.